The following is an entry in ClinVar:

ClinVar aggregate classification (germline): Pathogenic. Review status: criteria provided, single submitter (1 of 4 stars). 2 submissions from 2 submitters: Pathogenic (1). 1 of the submissions does not count toward it. Last evaluated 2023-06-11.

Conditions:
Desbuquois dysplasia 2 (DBQD2). Also called: Baratela-Scott syndrome. Identifiers: Orphanet 1425, MedGen C4014294, MONDO:0014343, OMIM 615777.
Desbuquois dysplasia 1 (DBQD1). Also called: MICROMELIC DWARFISM WITH VERTEBRAL AND METAPHYSEAL ABNORMALITIES AND ADVANCED CARPOTARSAL OSSIFICATION; DESBUQUOIS DYSPLASIA 1, KIM VARIANT. Identifiers: Orphanet 1425, MedGen C4012146, MONDO:0009629, OMIM 251450.

Allele frequency attached by ClinVar (database versions not stated): ExAC 0.00001; gnomAD 0.00001; gnomAD exomes below 0.00001.
gnomAD v4.1: 5 of 1,611,550 alleles (0.00031%); highest among the groups gnomAD compares: African/African-American, 0.0013%; no homozygotes.

Submissions (2):

Labcorp Genetics (formerly Invitae), Labcorp
Classification: Pathogenic for Desbuquois dysplasia 1. Last evaluated: 2023-06-11. Review status: criteria provided, single submitter. Criteria: Invitae Variant Classification Sherloc (09022015). Collection method: clinical testing. Allele origin: germline.
Comment: For these reasons, this variant has been classified as Pathogenic. ClinVar contains an entry for this variant (Variation ID: 127236). This premature translational stop signal has been observed in individual(s) with Desbuquois dysplasia type 2 (PMID: 24581741). The frequency data for this variant in the population databases is considered unreliable, as metrics indicate poor data quality at this position in the gnomAD database. This sequence change creates a premature translational stop signal (p.Arg147*) in the XYLT1 gene. It is expected to result in an absent or disrupted protein product. Loss-of-function variants in XYLT1 are known to be pathogenic (PMID: 24581741, 26601923).

OMIM
Classification: Pathogenic for DESBUQUOIS DYSPLASIA 2. Last evaluated: 2014-03-06. Review status: no assertion criteria provided. Collection method: literature only. Allele origin: germline. Not counted in ClinVar's aggregate classification.

Literature cited by the submitters: PubMed 24581741 (cited by Labcorp Genetics (formerly Invitae), Labcorp and OMIM); PubMed 26601923 (cited by Labcorp Genetics (formerly Invitae), Labcorp).

NM_022166.4(XYLT1):c.439C>T (p.Arg147Ter)

Genes: XYLT1 (xylosyltransferase 1; minus strand), LOC130058566 (ATAC-STARR-seq lymphoblastoid active region 10505; plus strand). Cytogenetic location: 16p12.3.
Variant type: single nucleotide variant.
Coding change: c.439C>T on transcript NM_022166.4 (MANE Select); coding-DNA position 439, C replaced by T.
Protein change: p.Arg147Ter; replaces arginine 147 with a stop codon.
Molecular consequence: nonsense.
Genome position (GRCh38, 1-based): chr16:17,259,462, G>A on the plus strand (C>T on the coding strand, the complement: XYLT1 is on the minus strand). VCF-style: chr16-17259462-G-A. GRCh37 (hg19) VCF-style: chr16-17353319-G-A.
Other names: short protein forms R147*.
Identifiers: ClinVar variation 127236 (VCV000127236.4), dbSNP rs587777368, ClinGen allele CA151425.
Genomic context (GRCh38, chr16:17,259,462, plus strand): 5'-TGCTGTTGTCGACATTCTCAAAGTCTTTGGGGACAGAGTTCTCGTTGTTGCTGTCTGTTC[G>A]CACTTTCTCTTTCGGCCGATGAGAAAAGTAGCCATCCTGGAGAAGAGGGGAGAGAAACAG-3'